The following is an entry in ClinVar:

NM_033380.3(COL4A5):c.2098G>T (p.Glu700Ter)

Gene: COL4A5 (collagen type IV alpha 5 chain; plus strand). Cytogenetic location: Xq22.3.
Variant type: single nucleotide variant.
Coding change: c.2098G>T on transcript NM_033380.3 (MANE Select); coding-DNA position 2098, G replaced by T.
Protein change: p.Glu700Ter; replaces glutamic acid 700 with a stop codon.
Molecular consequence: nonsense.
Genome position (GRCh38, 1-based): chrX:108,601,941, G>T. VCF-style: chrX-108601941-G-T. GRCh37 (hg19) VCF-style: chrX-107845171-G-T.
Other names: p.(Glu700*); c.2098G>T, p.Glu700Ter (NM_000495.5); short protein forms E700*.
Identifiers: ClinVar variation 5041982 (VCV005041982.1), dbSNP rs104886169.

ClinVar aggregate classification (germline): Pathogenic (1 of 4 stars; one submission).

Conditions:
X-linked Alport syndrome (ATS1). Also called: NEPHROPATHY AND DEAFNESS, X-LINKED; COL4A5-Related Nephropathy. Identifiers: Orphanet 63, Orphanet 88917, MedGen C4746986, MONDO:0010520, OMIM 301050.

Submission:

Centre de Génétique Humaine, Institut de Pathologie Et de Génétique
Classification: Pathogenic for X-linked Alport syndrome. Last evaluated: 2026-06-12. Review status: criteria provided, single submitter. Criteria: ACMG Guidelines, 2015. Collection method: clinical testing. Allele origin: germline. Inheritance: X-linked dominant inheritance. Affected: yes. Observed: 1 variant allele, 1 hemizygote. Segregation with disease not observed.
Comment: Nonsense variant predicted to result in protein truncation or nonsense mediated decay in a gene for which loss-of-function is a known mechanism of disease (PVS1). The NanoLuc reporter system in vitro confirmed that this variant resulted in the appearance of a premature stop codon and the absence of collagen chain trimerization, PMID: 35243249 (PS3). This variant is rare: absent in gnomAD v4.1.0 database (PM2). Described in patients with dominant X-linked AS in scientific litterature. ( PP5)

Literature cited by the submitters: PubMed 8940267.